The following is an entry in ClinVar:

NM_000254.3(MTR):c.3080G>A (p.Arg1027Gln)

Gene: MTR (5-methyltetrahydrofolate-homocysteine methyltransferase; plus strand). Cytogenetic location: 1q43.
Variant type: single nucleotide variant.
Coding change: c.3080G>A on transcript NM_000254.3 (MANE Select); coding-DNA position 3080, G replaced by A.
Protein change: p.Arg1027Gln; replaces arginine 1027 with glutamine.
Molecular consequence: missense variant.
Genome position (GRCh38, 1-based): chr1:236,891,205, G>A. VCF-style: chr1-236891205-G-A. GRCh37 (hg19) VCF-style: chr1-237054505-G-A.
Other names: c.3080G>A (NM_000254.2); c.2927G>A, p.Arg976Gln (NM_001291939.1); c.1859G>A, p.Arg620Gln (NM_001291940.2); short protein forms R1027Q, R620Q, R976Q.
Identifiers: ClinVar variation 1062150 (VCV001062150.7), dbSNP rs2147939390, ClinGen allele CA345387050.

ClinVar aggregate classification (germline): Conflicting classifications of pathogenicity. Review status: criteria provided, conflicting classifications (1 of 4 stars). 2 submissions from 2 submitters: Uncertain significance (1); Likely benign (1). Last evaluated 2025-04-02.

Conditions:
Inborn genetic diseases. Identifiers: MedGen C0950123, MeSH D030342.
Methylcobalamin deficiency type cblG (HMAG). Also called: HOMOCYSTINURIA-MEGALOBLASTIC ANEMIA, cblG TYPE; HOMOCYSTINURIA-MEGALOBLASTIC ANEMIA, cblG COMPLEMENTATION TYPE; HOMOCYSTINURIA-MEGALOBLASTIC ANEMIA DUE TO DEFECT IN COBALAMIN METABOLISM, cblG COMPLEMENTATION TYPE; Functional methionine synthase deficiency type cblG. Identifiers: Orphanet 2170, Orphanet 622, MedGen C1855128, MONDO:0009609, OMIM 250940.

gnomAD v4.1: 4 of 1,613,994 alleles (0.00025%); highest among the groups gnomAD compares: East Asian, 0.0022%; no homozygotes.

Submissions (2):

Ambry Genetics
Classification: Likely benign for Inborn genetic diseases. Last evaluated: 2025-04-02. Review status: criteria provided, single submitter. Criteria: Ambry Variant Classification Scheme 2023. Collection method: clinical testing. Allele origin: germline.

Labcorp Genetics (formerly Invitae), Labcorp
Classification: Uncertain significance for Methylcobalamin deficiency type cblG. Last evaluated: 2024-04-10. Review status: criteria provided, single submitter. Criteria: Invitae Variant Classification Sherloc (09022015). Collection method: clinical testing. Allele origin: germline.
Comment: This sequence change replaces arginine, which is basic and polar, with glutamine, which is neutral and polar, at codon 1027 of the MTR protein (p.Arg1027Gln). This variant is not present in population databases (gnomAD no frequency). This variant has not been reported in the literature in individuals affected with MTR-related conditions. ClinVar contains an entry for this variant (Variation ID: 1062150). Advanced modeling of protein sequence and biophysical properties (such as structural, functional, and spatial information, amino acid conservation, physicochemical variation, residue mobility, and thermodynamic stability) performed at Invitae indicates that this missense variant is not expected to disrupt MTR protein function with a negative predictive value of 80%. In summary, the available evidence is currently insufficient to determine the role of this variant in disease. Therefore, it has been classified as a Variant of Uncertain Significance.